The following is an entry in ClinVar:

NC_000001.10:g.(?_161310384)_(161310445_?)dup

Gene: SDHC (succinate dehydrogenase complex subunit C; plus strand). Cytogenetic location: 1q23.3.
Variant type: Duplication.
Identifiers: ClinVar variation 417394 (VCV000417394.1).

ClinVar aggregate classification (germline): Likely pathogenic (1 of 4 stars; one submission).

Conditions:
Pheochromocytoma/paraganglioma syndrome 3. Also called: GLOMUS TUMORS, FAMILIAL, 3; SDHC-Related Hereditary Paraganglioma-Pheochromocytoma Syndrome (Paragangliomas 3); SDHC-Related Hereditary Paraganglioma-Pheochromocytoma Syndrome; Paragangliomas 3. Identifiers: Orphanet 29072, MedGen C1854336, MONDO:0011544, OMIM 605373.

Submission:

Labcorp Genetics (formerly Invitae), Labcorp
Classification: Likely pathogenic for Pheochromocytoma/paraganglioma syndrome 3. Last evaluated: 2016-06-12. Review status: criteria provided, single submitter. Criteria: Invitae Variant Classification Sherloc (09022015). Collection method: clinical testing. Allele origin: germline.
Comment: This variant is a gross duplication of the genomic region encompassing exon 4 of the SDHC gene. While the exact position of the duplicated exons cannot be determined from this data, the duplicated copy of this region is likely in tandem and may result in an absent or disrupted protein product. While this particular variant has not been reported in the literature, truncating variants in SDHC are known to be pathogenic (PMID: 19454582, 24758179). In summary, sub-genic duplications are generally in tandem (PMID: 25640679), and result in an absent or disrupted protein. However, the exact location of this duplication has not been confirmed. Therefore, it has been classified as Likely Pathogenic.